The following is an entry in ClinVar:

NM_001042492.3(NF1):c.6737del (p.Pro2246fs)

Gene: NF1 (neurofibromin 1; plus strand). Cytogenetic location: 17q11.2.
Variant type: Deletion.
Coding change: c.6737del on transcript NM_001042492.3 (MANE Select); coding-DNA position 6737, one base deleted (C; older notation c.6737delC).
Protein change: p.Pro2246fs; shifts the reading frame from proline 2246.
Molecular consequence: frameshift variant.
Genome position (GRCh38, 1-based): chr17:31,338,057, C deleted; the last of 2 consecutive C bases (chr17:31,338,056-31,338,057); deleting either gives the same sequence. VCF-style (leftmost placement, unchanged base first): chr17-31338055-AC-A. GRCh37 (hg19) VCF-style: chr17-29665073-AC-A.
Other names: c.6674delC, p.Pro2225Glnfs (NM_000267.4); short protein forms P2246fs, P2225fs.
Identifiers: ClinVar variation 1429404 (VCV001429404.6), dbSNP rs2151558122, ClinGen allele CA2573153864.

ClinVar aggregate classification (germline): Pathogenic (1 of 4 stars; one submission).

Conditions:
Neurofibromatosis, type 1 (NF1). Also called: VON RECKLINGHAUSEN DISEASE; NEUROFIBROMATOSIS, TYPE I, SOMATIC; Neurofibromatosis, type I; Peripheral type neurofibromatosis. Identifiers: Orphanet 636, MedGen C0027831, MONDO:0018975, OMIM 162200. Disease mechanism: loss of function.

Submission:

Labcorp Genetics (formerly Invitae), Labcorp
Classification: Pathogenic for Neurofibromatosis, type 1. Last evaluated: 2024-02-24. Review status: criteria provided, single submitter. Criteria: Invitae Variant Classification Sherloc (09022015). Collection method: clinical testing. Allele origin: germline.
Comment: This sequence change creates a premature translational stop signal (p.Pro2225Glnfs*19) in the NF1 gene. It is expected to result in an absent or disrupted protein product. Loss-of-function variants in NF1 are known to be pathogenic (PMID: 10712197, 23913538). This variant is not present in population databases (gnomAD no frequency). This variant has not been reported in the literature in individuals affected with NF1-related conditions. ClinVar contains an entry for this variant (Variation ID: 1429404). Algorithms developed to predict the effect of sequence changes on RNA splicing suggest that this variant may disrupt the consensus splice site. For these reasons, this variant has been classified as Pathogenic.

Literature cited by the submitters: PubMed 10712197; PubMed 23913538.